The following is an entry in ClinVar:

ClinVar aggregate classification (germline): Uncertain significance (1 of 4 stars; one submission).

Conditions:
Myopathy, proximal, and ophthalmoplegia (CMYO6). Also called: INCLUSION BODY MYOPATHY 3, AUTOSOMAL DOMINANT; CONGENITAL MYOPATHY 6 WITH OPHTHALMOPLEGIA; MYOPATHY WITH CONGENITAL JOINT CONTRACTURES, OPHTHALMOPLEGIA, AND RIMMED VACUOLES. Identifiers: Orphanet 363677, Orphanet 79091, MedGen C1854106, MONDO:0011577, OMIM 605637.

gnomAD v4.1: 1 of 1,614,128 alleles (0.000062%); no homozygotes.

Submission:

Labcorp Genetics (formerly Invitae), Labcorp
Classification: Uncertain significance for Myopathy, proximal, and ophthalmoplegia. Last evaluated: 2024-02-07. Review status: criteria provided, single submitter. Criteria: Invitae Variant Classification Sherloc (09022015). Collection method: clinical testing. Allele origin: germline.
Comment: This sequence change replaces tyrosine, which is neutral and polar, with cysteine, which is neutral and slightly polar, at codon 104 of the MYH2 protein (p.Tyr104Cys). This variant is not present in population databases (gnomAD no frequency). This variant has not been reported in the literature in individuals affected with MYH2-related conditions. Advanced modeling of protein sequence and biophysical properties (such as structural, functional, and spatial information, amino acid conservation, physicochemical variation, residue mobility, and thermodynamic stability) has been performed at Invitae for this missense variant, however the output from this modeling did not meet the statistical confidence thresholds required to predict the impact of this variant on MYH2 protein function. In summary, the available evidence is currently insufficient to determine the role of this variant in disease. Therefore, it has been classified as a Variant of Uncertain Significance.

NM_017534.6(MYH2):c.311A>G (p.Tyr104Cys)

Genes: MYH2 (myosin heavy chain 2; minus strand), MYHAS (myosin heavy chain gene cluster antisense RNA; plus strand). Cytogenetic location: 17p13.1.
Variant type: single nucleotide variant.
Coding change: c.311A>G on transcript NM_017534.6 (MANE Select); coding-DNA position 311, A replaced by G.
Protein change: p.Tyr104Cys; replaces tyrosine 104 with cysteine.
Molecular consequence: missense variant.
Genome position (GRCh38, 1-based): chr17:10,547,512, T>C on the plus strand (A>G on the coding strand, the complement: MYH2 is on the minus strand). VCF-style: chr17-10547512-T-C. GRCh37 (hg19) VCF-style: chr17-10450829-T-C.
Other names: c.311A>G, p.Tyr104Cys (NM_001100112.2); short protein forms Y104C.
Identifiers: ClinVar variation 3608917 (VCV003608917.2).